The following is an entry in ClinVar:

ClinVar aggregate classification (germline): Uncertain significance (1 of 4 stars; one submission).

Conditions:
Inborn genetic diseases. Identifiers: MedGen C0950123, MeSH D030342.

gnomAD v4.1: 4 of 1,396,722 alleles (0.00029%); highest among the groups gnomAD compares: Non-Finnish European, 0.00038%; no homozygotes.

Submission:

Ambry Genetics
Classification: Uncertain significance for Inborn genetic diseases. Last evaluated: 2024-04-25. Review status: criteria provided, single submitter. Criteria: Ambry Variant Classification Scheme 2023. Collection method: clinical testing. Allele origin: germline.
Comment: The p.E193D variant (also known as c.579G>C), located in coding exon 1 of the SMAD6 gene, results from a G to C substitution at nucleotide position 579. The glutamic acid at codon 193 is replaced by aspartic acid, an amino acid with highly similar properties. This amino acid position is conserved. In addition, the in silico prediction for this alteration is inconclusive. Based on the available evidence, the clinical significance of this variant remains unclear.

NM_005585.5(SMAD6):c.579G>C (p.Glu193Asp)

Gene: SMAD6 (SMAD family member 6; plus strand). Cytogenetic location: 15q22.31.
Variant type: single nucleotide variant.
Coding change: c.579G>C on transcript NM_005585.5 (MANE Select); coding-DNA position 579, G replaced by C.
Protein change: p.Glu193Asp; replaces glutamic acid 193 with aspartic acid.
Molecular consequence: missense variant. On other transcripts: non-coding transcript variant (1).
Genome position (GRCh38, 1-based): chr15:66,703,837, G>C. VCF-style: chr15-66703837-G-C. GRCh37 (hg19) VCF-style: chr15-66996175-G-C.
Other names: short protein forms E193D.
Identifiers: ClinVar variation 3320637 (VCV003320637.1).
Genomic context (GRCh38, chr15:66,703,837, plus strand): 5'-AACCGTCACGTACTCGCTGCTGAAGCGGCTCAAGGAGCGCTCGCTGGACACGCTGCTGGA[G>C]GCGGTGGAGTCCCGCGGCGGCGTGCCGGGCGGCTGCGTGCTGGTGCCGCGCGCCGACCTC-3'
Protein context (NP_005576.3, residues 183-203): LKERSLDTLL[Glu193Asp]AVESRGGVPG